The following is an entry in ClinVar:

ClinVar aggregate classification (germline): Likely benign. Review status: criteria provided, multiple submitters, no conflicts (2 of 4 stars). 3 submissions from 3 submitters: Likely benign (2). 1 of the submissions does not count toward it. Last evaluated 2024-05-15.

Conditions:
Joubert syndrome. Also called: Familial aplasia of the vermis; JOUBERT-BOLTSHAUSER SYNDROME. Identifiers: Orphanet 475, MedGen C5979921, MONDO:0018772.
INPP5E-related disorder. Also called: INPP5E-related condition.

Allele frequency attached by ClinVar (database versions not stated): TOPMed below 0.00001; gnomAD 0.00001; gnomAD exomes 0.00002.
gnomAD v4.1: 9 of 1,466,666 alleles (0.00061%); highest among the groups gnomAD compares: Non-Finnish European, 0.00081%; no homozygotes.

Submissions (3):

Labcorp Genetics (formerly Invitae), Labcorp
Classification: Likely benign for Joubert syndrome. Last evaluated: 2024-05-15. Review status: criteria provided, single submitter. Criteria: Invitae Variant Classification Sherloc (09022015). Collection method: clinical testing. Allele origin: germline.

Blueprint Genetics
Classification: Likely benign. Last evaluated: 2024-03-26. Review status: criteria provided, single submitter. Criteria: ACMG Guidelines, 2015. Collection method: clinical testing. Allele origin: germline.

PreventionGenetics, part of Exact Sciences
Classification: Likely benign for INPP5E-related condition. Last evaluated: 2024-02-13. Review status: no assertion criteria provided. Collection method: clinical testing. Allele origin: germline. Not counted in ClinVar's aggregate classification.
Comment: This variant is classified as likely benign based on ACMG/AMP sequence variant interpretation guidelines (Richards et al. 2015 PMID: 25741868, with internal and published modifications).

NM_019892.6(INPP5E):c.12G>A (p.Lys4=)

Gene: INPP5E (inositol polyphosphate-5-phosphatase E; minus strand). Cytogenetic location: 9q34.3.
Variant type: single nucleotide variant.
Coding change: c.12G>A on transcript NM_019892.6 (MANE Select); coding-DNA position 12, G replaced by A.
Protein change: p.Lys4=; no amino-acid change (lysine 4 retained).
Molecular consequence: synonymous variant.
Genome position (GRCh38, 1-based): chr9:136,439,408, C>T on the plus strand (G>A on the coding strand, the complement: INPP5E is on the minus strand). VCF-style: chr9-136439408-C-T. GRCh37 (hg19) VCF-style: chr9-139333860-C-T.
Other names: c.12G>A, p.Lys4= (NM_001318502.2); c.12G>A (NM_019892.5).
Identifiers: ClinVar variation 2055361 (VCV002055361.7), dbSNP rs962718636, ClinGen allele CA201649509.
Genomic context (GRCh38, chr9:136,439,408, plus strand): 5'-TTGGAGCGTCCTCCCTTCCGGCGGCTGCGGGGCCGGCTCGGAGGGCCGCAGATTCTCCGC[C>T]TTGGACGGCATGGACGGTCTCTCCCGGGGCAGGCCTCGGCGCGAGGCCGCAGGCAGCGCG-3'
Protein context (NP_063945.2, residues 1-14): MPS[Lys4=]AENLRPSEPA